The following is an entry in ClinVar:

NM_006231.4(POLE):c.532A>G (p.Arg178Gly)

Gene: POLE (DNA polymerase epsilon, catalytic subunit; minus strand). Cytogenetic location: 12q24.33.
Variant type: single nucleotide variant.
Coding change: c.532A>G on transcript NM_006231.4 (MANE Select); coding-DNA position 532, A replaced by G.
Protein change: p.Arg178Gly; replaces arginine 178 with glycine.
Molecular consequence: missense variant.
Genome position (GRCh38, 1-based): chr12:132,679,543, T>C on the plus strand (A>G on the coding strand, the complement: POLE is on the minus strand). VCF-style: chr12-132679543-T-C. GRCh37 (hg19) VCF-style: chr12-133256129-T-C.
Other names: short protein forms R178G.
Identifiers: ClinVar variation 964443 (VCV000964443.9), dbSNP rs2043122950, ClinGen allele CA387366946.

ClinVar aggregate classification (germline): Uncertain significance. Review status: criteria provided, multiple submitters, no conflicts (2 of 4 stars). 2 submissions from 2 submitters: Uncertain significance (2). Last evaluated 2022-07-02.

Conditions:
Hereditary cancer-predisposing syndrome. Also called: Tumor predisposition; Hereditary neoplastic syndrome; Hereditary Cancer Syndrome; Neoplastic Syndromes, Hereditary. Identifiers: Orphanet 140162, MedGen C0027672, MeSH D009386, MONDO:0015356.
Colorectal cancer, susceptibility to, 12 (CRCS12). Also called: COLORECTAL CANCER, SUSCEPTIBILITY TO, ON CHROMOSOME 12q24. Identifiers: Orphanet 220460, MedGen C3554460, MONDO:0014038, OMIM 615083.

Submissions (2):

Ambry Genetics
Classification: Uncertain significance for Hereditary cancer-predisposing syndrome. Last evaluated: 2022-07-02. Review status: criteria provided, single submitter. Criteria: Ambry Variant Classification Scheme 2023. Collection method: clinical testing. Allele origin: germline.
Comment: The p.R178G variant (also known as c.532A>G), located in coding exon 6 of the POLE gene, results from an A to G substitution at nucleotide position 532. The arginine at codon 178 is replaced by glycine, an amino acid with dissimilar properties. This amino acid position is conserved. In addition, this alteration is predicted to be tolerated by in silico analysis. Since supporting evidence is limited at this time, the clinical significance of this alteration remains unclear.

Labcorp Genetics (formerly Invitae), Labcorp
Classification: Uncertain significance for Colorectal cancer, susceptibility to, 12. Last evaluated: 2021-08-27. Review status: criteria provided, single submitter. Criteria: Invitae Variant Classification Sherloc (09022015). Collection method: clinical testing. Allele origin: germline.
Comment: This sequence change replaces arginine with glycine at codon 178 of the POLE protein (p.Arg178Gly). The arginine residue is moderately conserved and there is a moderate physicochemical difference between arginine and glycine. This variant is not present in population databases (ExAC no frequency). This variant has not been reported in the literature in individuals affected with POLE-related conditions. Algorithms developed to predict the effect of missense changes on protein structure and function (SIFT, PolyPhen-2, Align-GVGD) all suggest that this variant is likely to be tolerated. In summary, the available evidence is currently insufficient to determine the role of this variant in disease. Therefore, it has been classified as a Variant of Uncertain Significance.